The following is an entry in ClinVar:

NM_004415.4(DSP):c.6850C>T (p.Arg2284Ter)

Gene: DSP (desmoplakin; plus strand). Cytogenetic location: 6p24.3.
Variant type: single nucleotide variant.
Coding change: c.6850C>T on transcript NM_004415.4 (MANE Select); coding-DNA position 6850, C replaced by T.
Protein change: p.Arg2284Ter; replaces arginine 2284 with a stop codon.
Molecular consequence: nonsense.
Genome position (GRCh38, 1-based): chr6:7,584,112, C>T. VCF-style: chr6-7584112-C-T. GRCh37 (hg19) VCF-style: chr6-7584345-C-T.
Other names: c.6850C>T (LRG_423t1); c.5053C>T, p.Arg1685Ter (NM_001008844.3); c.5521C>T, p.Arg1841Ter (NM_001319034.2); short protein forms R2284*, R1685*, R1841*.
Identifiers: ClinVar variation 199905 (VCV000199905.12), dbSNP rs794728130, ClinGen allele CA007041.

ClinVar aggregate classification (germline): Pathogenic/Likely pathogenic. Review status: criteria provided, multiple submitters, no conflicts (2 of 4 stars). 8 submissions from 8 submitters: Pathogenic (6); Likely pathogenic (2). Last evaluated 2026-09-17.

Conditions:
DSP-related disorder. Also called: DSP-related disorders; DSP-related condition.
Cardiovascular phenotype. Identifiers: MedGen CN230736.
Arrhythmogenic right ventricular dysplasia 8 (ARVD8). Also called: ARRHYTHMOGENIC RIGHT VENTRICULAR DYSPLASIA, FAMILIAL, 8; ARRHYTHMOGENIC RIGHT VENTRICULAR CARDIOMYOPATHY 8; Arrhythmogenic Right Ventricular Dysplasia/Cardiomyopathy 8. Identifiers: MedGen C1843896, MONDO:0011831, OMIM 607450.
Arrhythmogenic cardiomyopathy with wooly hair and keratoderma. Also called: Dilated cardiomyopathy with woolly hair and keratoderma; PALMOPLANTAR KERATODERMA WITH LEFT VENTRICULAR CARDIOMYOPATHY AND WOOLLY HAIR; Carvajal syndrome; Arrhythmogenic cardiomyopathy with woolly hair and keratoderma. Identifiers: Orphanet 65282, MedGen C1854063, MONDO:0011581, OMIM 605676.
Cardiomyopathy (CMYO). Also called: Cardiomyopathies. Identifiers: Orphanet 167848, MedGen C0878544, MONDO:0004994, HP:0001638. Inheritance: Various modes of inheritance.
Arrhythmogenic right ventricular cardiomyopathy (ARVD). Also called: Arrhythmogenic cardiomyopathy; Arrhythmogenic Right Ventricular Cardiomyopathy (ARVC); Cardiomyopathy, ARVC; Arrhythmogenic right ventricular dysplasia. Identifiers: Orphanet 247, MedGen C0349788, MeSH D019571, MONDO:0016587. Disease mechanism: loss of function. Inheritance: Various modes of inheritance.

Allele frequency attached by ClinVar (database versions not stated): gnomAD exomes below 0.00001; TOPMed below 0.00001.

Submissions 1 to 5 of 8:

GeneDx
Classification: Pathogenic. Last evaluated: 2026-09-17. Review status: criteria provided, single submitter. Criteria: GeneDx Variant Classification Process June 2021. Collection method: clinical testing. Allele origin: germline.
Comment: Nonsense variant predicted to result in protein truncation or nonsense mediated decay in a gene for which loss of function is a known mechanism of disease; Not observed at significant frequency in large population cohorts (gnomAD); This variant is associated with the following publications: (PMID: 32878047, 32372669, 36175056, 36580316, 25516398, 30847666, 34640625, 20400443)

Labcorp Genetics (formerly Invitae), Labcorp
Classification: Pathogenic for Arrhythmogenic cardiomyopathy with wooly hair and keratoderma; Arrhythmogenic right ventricular dysplasia 8. Last evaluated: 2025-11-18. Review status: criteria provided, single submitter. Criteria: Invitae Variant Classification Sherloc (09022015). Collection method: clinical testing. Allele origin: germline.
Comment: This sequence change creates a premature translational stop signal (p.Arg2284*) in the DSP gene. While this is not anticipated to result in nonsense mediated decay, it is expected to disrupt the last 588 amino acid(s) of the DSP protein. This variant is not present in population databases (gnomAD no frequency). This premature translational stop signal has been observed in individual(s) with clinical features of DSP-related conditions (PMID: 20400443, 25516398). ClinVar contains an entry for this variant (Variation ID: 199905). This variant disrupts a region of the DSP protein in which other variant(s) (p.Gln2730Serfs*16) have been determined to be pathogenic (PMID: 27532257, 28527814; internal data). This suggests that this is a clinically significant region of the protein, and that variants that disrupt it are likely to be disease-causing. For these reasons, this variant has been classified as Pathogenic.

Victorian Clinical Genetics Services, Murdoch Childrens Research Institute
Classification: Pathogenic for Arrhythmogenic right ventricular dysplasia 8. Last evaluated: 2025-10-15. Review status: criteria provided, single submitter. Criteria: ACMG Guidelines, 2015. Collection method: clinical testing. Allele origin: germline. Affected: yes.
Comment: This variant is classified as Pathogenic. Evidence in support of pathogenic classification: Variant is predicted to result in a truncated protein (premature termination codon is NOT located at least 54 nucleotides upstream of the final exon-exon junction) with less than 1/3 of the protein sequence affected; Variant is present in gnomAD <0.01 (v4: 5 heterozygote(s), 0 homozygote(s)); This variant has strong previous evidence of pathogenicity in unrelated individuals. This variant has been classified as pathogenic and likely pathogenic by clinical laboratories (ClinVar); Other truncating variant(s) comparable to the one identified in this case have very strong previous evidence for pathogenicity (DECIPHER). Additional information: This variant is heterozygous; This gene is associated with both recessive and dominant disease. Variants in this gene are usually inherited in a dominant manner; however there are rare reports of recessive inheritance resulting in a more severe cardiac phenotype (OMIM); Loss of function is a known mechanism of disease in this gene and is associated with arrhythmogenic right ventricular dysplasia 8 (MIM#607450) and other DSP-related cardiac disorders; The condition associated with this gene has incomplete penetrance. In families with cardiomyopathies, reduced penetrance has been reported among family members aged 60-86 years (PMID: 36580316); Variants in this gene are known to have variable expressivity. Age-dependent penetrance and variable expressivity are well-described aspects of arrhythmogenic cardiomyopathy (PMID: 29062697); Inheritance information for this variant is not currently available in this individual.

Ambry Genetics
Classification: Pathogenic for Cardiovascular phenotype. Last evaluated: 2024-11-26. Review status: criteria provided, single submitter. Criteria: Ambry Variant Classification Scheme 2023. Collection method: clinical testing. Allele origin: germline.
Comment: The p.R2284* pathogenic mutation (also known as c.6850C>T), located in coding exon 24 of the DSP gene, results from a C to T substitution at nucleotide position 6850. This changes the amino acid from an arginine to a stop codon within coding exon 24. This alteration occurs at the 3' terminus of the DSP gene, is not expected to trigger nonsense-mediated mRNA decay, and impacts the last 20% of the protein. However, premature stop codons are typically deleterious in nature and the impacted region is critical for protein (Ambry internal data). Alterations in DSP that result in haploinsufficiency or protein truncation have been reported in patients with arrhythmogenic right ventricular cardiomyopathy (ARVC) and dilated cardiomyopathy (DCM) (Fressart V et al. Europace. 2010;12(6):861-8; Elliott P et al. Circ Cardiovasc Genet. 2010;3(4):314-22; Quarta G et al. Circulation. 2011;123(23):2701-9; Garcia-Pavia P et al. Heart. 2011;97(21):1744-52; Rasmussen TB et al. Clin Genet. 2013;84(1):20-30; Pugh TJ et al. Genet Med. 2014;16(8):601-8). This variant was identified in one or more individuals with features consistent with ARVC and DCM and segregated with disease in at least one family (Fressart V et al. Europace, 2010 Jun;12:861-8; van Lint FHM et al. Neth Heart J, 2019 Jun;27:304-309; Ptru AE et al. Diagnostics (Basel), 2020 Aug;10; Cabrera-Borrego E et al. J Clin Med, 2021 Oct;10). In addition, this variant has been identified in the conjunction with other DSP variant(s) in individual(s) with features consistent with DSP-related cardiocutaneous spectrum disorders (Iglesias A et al. Genet Med, 2014 Dec;16:922-31; Antonov NK et al. Pediatr Dermatol, 2015 Dec;32:102-8). This variant is considered to be rare based on population cohorts in the Genome Aggregation Database (gnomAD). Based on the supporting evidence, this variant is interpreted as a disease-causing mutation.

Color Diagnostics, LLC DBA Color Health
Classification: Pathogenic for Cardiomyopathy. Last evaluated: 2024-02-20. Review status: criteria provided, single submitter. Criteria: ACMG Guidelines, 2015. Collection method: clinical testing. Allele origin: germline.
Comment: This variant changes 1 nucleotide in exon 24 of the DSP gene, creating a premature translation stop signal in the last exon. This variant is predicted to escape nonsense-mediated decay and be expressed as a truncated protein. Although functional studies have not been reported, this variant is expected to disrupt the plakin repeat domain B and C. Plakin repeat domains and downstream C-terminal sequence have been reported to be essential for interaction with intermediate filaments (PMID: 12101406, 12802069, 21756917). In addition, truncating variants occurring downstream of this variant are known to be disease-causing (ClinVar variation ID: 518482, 923199). This variant has been reported in at least 4 unrelated individuals affected with arrhythmogenic cardiomyopathy (PMID: 20400443, 32878047, 34640625, 36431211). It has been shown that this variant segregates with disease in 5 individuals from two of the families (PMID: 32878047, 34640625). This variant has also been reported in three unrelated individuals affected with dilated cardiomyopathy and one of them showed severe phenotype with an early age of onset, who was compound heterozygote with another pathogenic truncation variant in the DSP gene (PMID: 25516398, 30847666, 37904629). This variant has not been identified in the general population by the Genome Aggregation Database (gnomAD). Based on the available evidence, this variant is classified as Pathogenic.